The following is an entry in ClinVar:

NM_145207.3(AFG2A):c.749G>T (p.Ser250Ile)

Gene: AFG2A (AFG2 AAA ATPase homolog A; plus strand). Cytogenetic location: 4q28.1.
Variant type: single nucleotide variant.
Coding change: c.749G>T on transcript NM_145207.3 (MANE Select); coding-DNA position 749, G replaced by T.
Protein change: p.Ser250Ile; replaces serine 250 with isoleucine.
Molecular consequence: missense variant.
Genome position (GRCh38, 1-based): chr4:122,934,340, G>T. VCF-style: chr4-122934340-G-T. GRCh37 (hg19) VCF-style: chr4-123855495-G-T.
Other names: c.746G>T, p.Ser249Ile (NM_001317799.2, NM_001345856.2); short protein forms S249I, S250I.
Identifiers: ClinVar variation 1306790 (VCV001306790.3), dbSNP rs1281527178, ClinGen allele CA358101959.

ClinVar aggregate classification (germline): Uncertain significance (1 of 4 stars; one submission).

Submission:

GeneDx
Classification: Uncertain significance. Last evaluated: 2019-06-27. Review status: criteria provided, single submitter. Criteria: GeneDx Variant Classification Process June 2021. Collection method: clinical testing. Allele origin: germline. Affected: yes.
Comment: Not observed in large population cohorts (Lek et al., 2016); In silico analysis, which includes protein predictors and evolutionary conservation, supports that this variant does not alter protein structure/function; Has not been previously published as pathogenic or benign to our knowledge